The following is an entry in ClinVar:

ClinVar aggregate classification (germline): Uncertain significance. Review status: criteria provided, multiple submitters, no conflicts (2 of 4 stars). 2 submissions from 2 submitters: Uncertain significance (2). Last evaluated 2025-08-11.

Conditions:
Inborn genetic diseases. Identifiers: MedGen C0950123, MeSH D030342.
Congenital myopathy with internal nuclei and atypical cores. Also called: Myopathy, centronuclear, 4. Identifiers: Orphanet 319160, MedGen C4707232, MONDO:0013890, OMIM 614807.

Allele frequency attached by ClinVar (database versions not stated): TOPMed 0.00002.
gnomAD v4.1: 113 of 1,607,758 alleles (0.007%); highest among the groups gnomAD compares: Non-Finnish European, 0.0086%; no homozygotes.

Submissions (2):

Labcorp Genetics (formerly Invitae), Labcorp
Classification: Uncertain significance for Congenital myopathy with internal nuclei and atypical cores. Last evaluated: 2025-08-11. Review status: criteria provided, single submitter. Criteria: Invitae Variant Classification Sherloc (09022015). Collection method: clinical testing. Allele origin: germline.
Comment: This sequence change replaces arginine, which is basic and polar, with glutamine, which is neutral and polar, at codon 92 of the CCDC78 protein (p.Arg92Gln). This variant is present in population databases (rs766279961, gnomAD 0.008%). This variant has not been reported in the literature in individuals affected with CCDC78-related conditions. ClinVar contains an entry for this variant (Variation ID: 944724). Invitae Evidence Modeling of protein sequence and biophysical properties (such as structural, functional, and spatial information, amino acid conservation, physicochemical variation, residue mobility, and thermodynamic stability) indicates that this missense variant is not expected to disrupt CCDC78 protein function with a negative predictive value of 80%. In summary, the available evidence is currently insufficient to determine the role of this variant in disease. Therefore, it has been classified as a Variant of Uncertain Significance.

Ambry Genetics
Classification: Uncertain significance for Inborn genetic diseases. Last evaluated: 2022-12-13. Review status: criteria provided, single submitter. Criteria: Ambry Variant Classification Scheme 2023. Collection method: clinical testing. Allele origin: germline.

NM_001378030.1(CCDC78):c.275G>A (p.Arg92Gln)

Gene: CCDC78 (coiled-coil domain containing 78; minus strand). Cytogenetic location: 16p13.3.
Variant type: single nucleotide variant.
Coding change: c.275G>A on transcript NM_001378030.1 (MANE Select); coding-DNA position 275, G replaced by A.
Protein change: p.Arg92Gln; replaces arginine 92 with glutamine.
Molecular consequence: missense variant. On other transcripts: non-coding transcript variant (5), intron variant (1).
Genome position (GRCh38, 1-based): chr16:725,573, C>T on the plus strand (G>A on the coding strand, the complement: CCDC78 is on the minus strand). VCF-style: chr16-725573-C-T. GRCh37 (hg19) VCF-style: chr16-775573-C-T.
Other names: c.275G>A, p.Arg92Gln (NM_001031737.3, NM_001378031.1); c.-19+221G>A (NM_001378033.1); short protein forms R92Q.
Identifiers: ClinVar variation 944724 (VCV000944724.10), dbSNP rs766279961, ClinGen allele CA7789661.
Genomic context (GRCh38, chr16:725,573, plus strand): 5'-GCACAGCCCTGGCTGGTGCCATCTCCTCGCAGCTCCAGCTCCAGTACCCGGCTCTCCAGC[C>T]GAAGGATCTGTGGGACAACTGGCATGAGCAGGTGCACCTGCCCGCGGGCCACCTGGGGTA-3'
Protein context (NP_001364959.1, residues 82-102): EIFQLKSEIL[Arg92Gln]LESRVLELEL